The following is an entry in ClinVar:

ClinVar aggregate classification (germline): Uncertain significance (1 of 4 stars; one submission).

Allele frequency attached by ClinVar (database versions not stated): gnomAD exomes below 0.00001; TOPMed below 0.00001; gnomAD 0.00001.
gnomAD v4.1: 2 of 1,551,352 alleles (0.00013%); highest among the groups gnomAD compares: Non-Finnish European, 0.00017%; no homozygotes.

Submission:

Labcorp Genetics (formerly Invitae), Labcorp
Classification: Uncertain significance. Last evaluated: 2021-11-13. Review status: criteria provided, single submitter. Criteria: Invitae Variant Classification Sherloc (09022015). Collection method: clinical testing. Allele origin: germline.
Comment: Algorithms developed to predict the effect of missense changes on protein structure and function (SIFT, PolyPhen-2, Align-GVGD) all suggest that this variant is likely to be disruptive. In summary, the available evidence is currently insufficient to determine the role of this variant in disease. Therefore, it has been classified as a Variant of Uncertain Significance. ClinVar contains an entry for this variant (Variation ID: 1041288). This missense change has been observed in individual(s) with retinitis pigmentosa (Invitae). This variant is not present in population databases (gnomAD no frequency). This sequence change replaces cysteine, which is neutral and slightly polar, with tyrosine, which is neutral and polar, at codon 2128 of the EYS protein (p.Cys2128Tyr).

NM_001142800.2(EYS):c.6383G>A (p.Cys2128Tyr)

Gene: EYS (EGF-like photoreceptor maintenance factor; minus strand). Cytogenetic location: 6q12.
Variant type: single nucleotide variant.
Coding change: c.6383G>A on transcript NM_001142800.2 (MANE Select); coding-DNA position 6383, G replaced by A.
Protein change: p.Cys2128Tyr; replaces cysteine 2128 with tyrosine.
Molecular consequence: missense variant.
Genome position (GRCh38, 1-based): chr6:64,230,633, C>T on the plus strand (G>A on the coding strand, the complement: EYS is on the minus strand). VCF-style: chr6-64230633-C-T. GRCh37 (hg19) VCF-style: chr6-64940526-C-T.
Other names: c.6383G>A, p.Cys2128Tyr (NM_001292009.2); short protein forms C2128Y.
Identifiers: ClinVar variation 1041288 (VCV001041288.6), dbSNP rs942815164, ClinGen allele CA140296092.